The following is an entry in ClinVar:

ClinVar aggregate classification (germline): Uncertain significance (1 of 4 stars; one submission).

Conditions:
Bronchiectasis with or without elevated sweat chloride 3 (BESC3). Identifiers: Orphanet 60033, MedGen C2751324, MONDO:0013112, OMIM 613071.

Allele frequency attached by ClinVar (database versions not stated): TOPMed 0.00001 and 0.00002.
gnomAD v4.1: 13 of 1,610,426 alleles (0.00081%); highest among the groups gnomAD compares: Admixed American, 0.022%; no homozygotes.

Submission:

Baylor Genetics
Classification: Uncertain significance for Bronchiectasis with or without elevated sweat chloride 3. Last evaluated: 2018-02-13. Review status: criteria provided, single submitter. Criteria: ACMG Guidelines, 2015. Collection method: clinical testing. Allele origin: maternal. Affected: yes.
Comment: This variant was determined to be of uncertain significance according to ACMG Guidelines, 2015 [PMID:25741868].

NM_001039.4(SCNN1G):c.1284C>T (p.His428=)

Gene: SCNN1G (sodium channel epithelial 1 subunit gamma; plus strand). Cytogenetic location: 16p12.2.
Variant type: single nucleotide variant.
Coding change: c.1284C>T on transcript NM_001039.4 (MANE Select); coding-DNA position 1284, C replaced by T.
Protein change: p.His428=; no amino-acid change (histidine 428 retained).
Molecular consequence: synonymous variant.
Genome position (GRCh38, 1-based): chr16:23,212,141, C>T. VCF-style: chr16-23212141-C-T. GRCh37 (hg19) VCF-style: chr16-23223462-C-T.
Identifiers: ClinVar variation 1034392 (VCV001034392.1), dbSNP rs749657510, ClinGen allele CA7959821.